The following is an entry in ClinVar:

ClinVar aggregate classification (germline): Likely benign (1 of 4 stars; one submission).

Allele frequency attached by ClinVar (database versions not stated): gnomAD exomes 0.00001; ExAC 0.00002; TOPMed 0.00005.

Submission:

CeGaT Center for Human Genetics Tuebingen
Classification: Likely benign. Last evaluated: 2022-05-01. Review status: criteria provided, single submitter. Criteria: CeGaT Center For Human Genetics Tuebingen Variant Classification Criteria Version 2. Collection method: clinical testing. Allele origin: germline. Affected: yes. Observed: 1 variant allele.
Comment: ACTRT1: BP4, BP7

NM_138289.4(ACTRT1):c.27T>C (p.Val9=)

Gene: ACTRT1 (actin related protein T1; minus strand). Cytogenetic location: Xq25.
Variant type: single nucleotide variant.
Coding change: c.27T>C on transcript NM_138289.4 (MANE Select); coding-DNA position 27, T replaced by C.
Protein change: p.Val9=; no amino-acid change (valine 9 retained).
Molecular consequence: synonymous variant.
Genome position (GRCh38, 1-based): chrX:128,052,180, A>G on the plus strand (T>C on the coding strand, the complement: ACTRT1 is on the minus strand). VCF-style: chrX-128052180-A-G. GRCh37 (hg19) VCF-style: chrX-127186159-A-G.
Identifiers: ClinVar variation 2661388 (VCV002661388.24), dbSNP rs776551031, ClinGen allele CA10511353.
Genomic context (GRCh38, chrX:128,052,180, plus strand): 5'-AATCTCTCCAGACAGGCCTGCTTTGCAGAGTCCTGAACCATTGTCAAAAATTACAGCAGG[A>G]ACATCTAATGCATGTGGATTAAACATGTCTGTAATATGTTCTCCTGGACTTCCCCCAAAT-3'
Protein context (NP_612146.1, residues 1-19): MFNPHALD[Val9=]PAVIFDNGSG